The following is an entry in ClinVar:

ClinVar aggregate classification (germline): Pathogenic (1 of 4 stars; one submission).

gnomAD v4.1: 1 of 1,613,718 alleles (0.000062%); highest among the groups gnomAD compares: East Asian, 0.0022%; no homozygotes.

Submission:

Labcorp Genetics (formerly Invitae), Labcorp
Classification: Pathogenic. Last evaluated: 2025-02-06. Review status: criteria provided, single submitter. Criteria: Invitae Variant Classification Sherloc (09022015). Collection method: clinical testing. Allele origin: germline.
Comment: This sequence change replaces tryptophan, which is neutral and slightly polar, with cysteine, which is neutral and slightly polar, at codon 171 of the CNGA3 protein (p.Trp171Cys). This variant is present in population databases (rs762773298, gnomAD 0.006%). This missense change has been observed in individual(s) with CNGA3-related conditions (PMID: 24903488, 25637600). In at least one individual the data is consistent with being in trans (on the opposite chromosome) from a pathogenic variant. Invitae Evidence Modeling of protein sequence and biophysical properties (such as structural, functional, and spatial information, amino acid conservation, physicochemical variation, residue mobility, and thermodynamic stability) indicates that this missense variant is expected to disrupt CNGA3 protein function with a positive predictive value of 95%. For these reasons, this variant has been classified as Pathogenic.

Literature cited by the submitters: PubMed 24903488; PubMed 25637600.

NM_001298.3(CNGA3):c.513G>T (p.Trp171Cys)

Gene: CNGA3 (cyclic nucleotide gated channel subunit alpha 3; plus strand). Cytogenetic location: 2q11.2.
Variant type: single nucleotide variant.
Coding change: c.513G>T on transcript NM_001298.3 (MANE Select); coding-DNA position 513, G replaced by T.
Protein change: p.Trp171Cys; replaces tryptophan 171 with cysteine.
Molecular consequence: missense variant.
Genome position (GRCh38, 1-based): chr2:98,389,721, G>T. VCF-style: chr2-98389721-G-T. GRCh37 (hg19) VCF-style: chr2-99006184-G-T.
Other names: c.459G>T, p.Trp153Cys (NM_001079878.2); short protein forms W171C, W153C.
Identifiers: ClinVar variation 3720354 (VCV003720354.2).